The following is an entry in ClinVar:

NM_000400.4(ERCC2):c.1822A>G (p.Ile608Val)

Gene: ERCC2 (ERCC excision repair 2, TFIIH core complex helicase subunit; minus strand). Cytogenetic location: 19q13.32.
Variant type: single nucleotide variant.
Coding change: c.1822A>G on transcript NM_000400.4 (MANE Select); coding-DNA position 1822, A replaced by G.
Protein change: p.Ile608Val; replaces isoleucine 608 with valine.
Molecular consequence: missense variant.
Genome position (GRCh38, 1-based): chr19:45,353,092, T>C on the plus strand (A>G on the coding strand, the complement: ERCC2 is on the minus strand). VCF-style: chr19-45353092-T-C. GRCh37 (hg19) VCF-style: chr19-45856350-T-C.
Other names: short protein forms I608V.
Identifiers: ClinVar variation 1780780 (VCV001780780.3), dbSNP rs1333798247, ClinGen allele CA406364110.

ClinVar aggregate classification (germline): Uncertain significance (1 of 4 stars; one submission).

Conditions:
Inborn genetic diseases. Identifiers: MedGen C0950123, MeSH D030342.

Allele frequency attached by ClinVar (database versions not stated): gnomAD exomes below 0.00001.
gnomAD v4.1: 1 of 1,612,914 alleles (0.000062%); highest among the groups gnomAD compares: Admixed American, 0.0017%; no homozygotes.

Submission:

Ambry Genetics
Classification: Uncertain significance for Inborn genetic diseases. Last evaluated: 2024-11-11. Review status: criteria provided, single submitter. Criteria: Ambry Variant Classification Scheme 2023. Collection method: clinical testing. Allele origin: germline.
Comment: The p.I608V variant (also known as c.1822A>G), located in coding exon 19 of the ERCC2 gene, results from an A to G substitution at nucleotide position 1822. The isoleucine at codon 608 is replaced by valine, an amino acid with highly similar properties. This amino acid position is conserved. In addition, the in silico prediction for this alteration is inconclusive. Since supporting evidence is limited at this time, the clinical significance of this alteration remains unclear.